The following is an entry in ClinVar:

NM_003906.5(MCM3AP):c.209T>C (p.Val70Ala)

Gene: MCM3AP (minichromosome maintenance complex component 3 associated protein; minus strand). Cytogenetic location: 21q22.3.
Variant type: single nucleotide variant.
Coding change: c.209T>C on transcript NM_003906.5 (MANE Select); coding-DNA position 209, T replaced by C.
Protein change: p.Val70Ala; replaces valine 70 with alanine.
Molecular consequence: missense variant.
Genome position (GRCh38, 1-based): chr21:46,285,078, A>G on the plus strand (T>C on the coding strand, the complement: MCM3AP is on the minus strand). VCF-style: chr21-46285078-A-G. GRCh37 (hg19) VCF-style: chr21-47704992-A-G.
Other names: c.209T>C (NM_003906.3); short protein forms V70A.
Identifiers: ClinVar variation 1497410 (VCV001497410.4), dbSNP rs745928098, ClinGen allele CA10077394.
Genomic context (GRCh38, chr21:46,285,078, plus strand): 5'-GTGTGCTCAAGTCCAGAAAAGGGTCCAACACTTGAGGTTTGGGTGAACCCTAATGTTTGC[A>G]CTGAAGAGGAATGACTTACTCCAGAAGACGCTGGAAAGCTGGATACCTGTGAAAATCCCG-3'
Protein context (NP_003897.2, residues 60-80): ASSGVSHSSS[Val70Ala]QTLGFTQTSS

ClinVar aggregate classification (germline): Conflicting classifications of pathogenicity. Review status: criteria provided, conflicting classifications (1 of 4 stars). 2 submissions from 2 submitters: Uncertain significance (1); Likely benign (1). Last evaluated 2025-10-22.

Conditions:
Inborn genetic diseases. Identifiers: MedGen C0950123, MeSH D030342.

Allele frequency attached by ClinVar (database versions not stated): TOPMed 0.00001; gnomAD exomes 0.00001 and below 0.00001; ExAC 0.00001; gnomAD 0.00001.

Submissions (2):

Ambry Genetics
Classification: Likely benign for Inborn genetic diseases. Last evaluated: 2025-10-22. Review status: criteria provided, single submitter. Criteria: Ambry Variant Classification Scheme 2023. Collection method: clinical testing. Allele origin: germline.

Labcorp Genetics (formerly Invitae), Labcorp
Classification: Uncertain significance. Last evaluated: 2021-07-28. Review status: criteria provided, single submitter. Criteria: Invitae Variant Classification Sherloc (09022015). Collection method: clinical testing. Allele origin: germline.
Comment: This sequence change replaces valine with alanine at codon 70 of the MCM3AP protein (p.Val70Ala). The valine residue is weakly conserved and there is a small physicochemical difference between valine and alanine. This variant is present in population databases (rs745928098, ExAC 0.01%). This variant has not been reported in the literature in individuals affected with MCM3AP-related conditions. Algorithms developed to predict the effect of missense changes on protein structure and function output the following: SIFT: "Tolerated"; PolyPhen-2: "Benign"; Align-GVGD: "Class C0". The alanine amino acid residue is found in multiple mammalian species, which suggests that this missense change does not adversely affect protein function. In summary, the available evidence is currently insufficient to determine the role of this variant in disease. Therefore, it has been classified as a Variant of Uncertain Significance.